The following is an entry in ClinVar:

NM_001009944.3(PKD1):c.2986-15C>T

Gene: PKD1 (polycystin 1, transient receptor potential channel interacting; minus strand). Cytogenetic location: 16p13.3.
Variant type: single nucleotide variant.
Coding change: c.2986-15C>T on transcript NM_001009944.3 (MANE Select); 15 bases into the intron before coding-DNA position 2986, C replaced by T.
Molecular consequence: intron variant.
Genome position (GRCh38, 1-based): chr16:2,112,978, G>A on the plus strand (C>T on the coding strand, the complement: PKD1 is on the minus strand). VCF-style: chr16-2112978-G-A. GRCh37 (hg19) VCF-style: chr16-2162979-G-A.
Other names: c.2986-15C>T (NM_000296.4).
Identifiers: ClinVar variation 256939 (VCV000256939.18), dbSNP rs2855349, ClinGen allele CA7833004.

ClinVar aggregate classification (germline): Benign. Review status: criteria provided, multiple submitters, no conflicts (2 of 4 stars). 7 submissions from 7 submitters: Benign (6). 1 of the submissions does not count toward it. Last evaluated 2025-04-25.

Conditions:
Autosomal dominant polycystic kidney disease. Identifiers: Orphanet 730, MedGen C0085413, MONDO:0004691.
Polycystic kidney disease, adult type (PKD1). Also called: Polycystic Kidney, Autosomal Dominant; Polycystic Kidney Disease 1, Autosomal Dominant; Polycystic kidney disease 1; Polycystic kidney disease 1, severe; POLYCYSTIC KIDNEY DISEASE 1 WITH OR WITHOUT POLYCYSTIC LIVER DISEASE; POLYCYSTIC KIDNEY DISEASE, ADULT, TYPE I. Identifiers: MedGen C3149841, MONDO:0008263, OMIM 173900.
Polycystic kidney disease. Also called: Polycystic kidney dysplasia; Kidney, Polycystic. Identifiers: MedGen C0022680, MeSH D007690, MONDO:0020642, HP:0000113.

Allele frequency attached by ClinVar (database versions not stated): ESP Exome Variant Server 0.01717; TOPMed 0.03436; 1000 Genomes Project 30x 0.09806; 1000 Genomes Project 0.10164.
gnomAD v4.1: 47,145 of 1,595,606 alleles (3%); highest among the groups gnomAD compares: East Asian, 20%; 2,754 homozygotes.

Submissions (7):

Women's Health and Genetics/Laboratory Corporation of America, LabCorp
Classification: Benign. Last evaluated: 2025-04-25. Review status: criteria provided, single submitter. Criteria: LabCorp Variant Classification Summary - May 2015. Collection method: clinical testing. Allele origin: germline.

Blueprint Genetics
Classification: Benign. Last evaluated: 2024-11-27. Review status: criteria provided, single submitter. Criteria: ACMG Guidelines, 2015. Collection method: clinical testing. Allele origin: germline.

ARUP Laboratories, Molecular Genetics and Genomics, ARUP Laboratories
Classification: Benign for Polycystic kidney disease, adult type. Last evaluated: 2020-02-20. Review status: criteria provided, single submitter. Criteria: ARUP Molecular Germline Variant Investigation Process. Collection method: clinical testing. Allele origin: germline.

Molecular Genetics of Inherited Kidney Disorders Laboratory, Garvan Institute of Medical Research
Classification: Benign for Autosomal dominant polycystic kidney disease. Last evaluated: 2019-01-01. Review status: criteria provided, single submitter. Criteria: ACMG Guidelines, 2015. Collection method: research. Allele origin: germline. Affected: yes.

Breakthrough Genomics
Classification: Benign. Review status: criteria provided, single submitter. Criteria: ACMG Guidelines, 2015. Collection method: not provided. Allele origin: germline. Inheritance: Autosomal dominant inheritance. Affected: yes.

PreventionGenetics, part of Exact Sciences
Classification: Benign. Review status: criteria provided, single submitter. Criteria: ACMG Guidelines, 2015. Collection method: clinical testing. Allele origin: germline.

Department of Pathology and Laboratory Medicine, Sinai Health System
Classification: Benign for Polycystic Kidney disease. Review status: no assertion criteria provided. Collection method: clinical testing. Allele origin: unknown. Affected: yes. Observed: 1 variant allele. Study: The Canadian Open Genetics Repository (COGR). Not counted in ClinVar's aggregate classification.
Comment: The c.2986-15C>T, p.? variant was identified in 5.3% of 6391 control alleles in the Exome Aggregation Consortium (March 14, 2016). According to ACMG guidelines for variant classification based on allele frequency, category BA1, this variant is considered benign and has not been further reviewed (Richards 2015).